The following is an entry in ClinVar:

ClinVar aggregate classification (germline): Uncertain significance (1 of 4 stars; one submission).

Allele frequency attached by ClinVar (database versions not stated): gnomAD 0.00001; gnomAD exomes 0.00001; ExAC 0.00002; TOPMed 0.00002.
gnomAD v4.1: 15 of 1,612,674 alleles (0.00093%); highest among the groups gnomAD compares: South Asian, 0.0044%; no homozygotes.

Submission:

Women's Health and Genetics/Laboratory Corporation of America, LabCorp
Classification: Uncertain significance. Last evaluated: 2024-01-22. Review status: criteria provided, single submitter. Criteria: LabCorp Variant Classification Summary - May 2015. Collection method: clinical testing. Allele origin: germline.
Comment: Variant summary: CPSF1 c.3893G>A (p.Arg1298His) results in a non-conservative amino acid change located in the Cleavage/polyadenylation specificity factor, A subunit, C-terminal domain (IPR004871) of the encoded protein sequence. Four of five in-silico tools predict a damaging effect of the variant on protein function. The variant allele was found at a frequency of 1.2e-05 in 249946 control chromosomes (gnomAD). The available data on variant occurrences in the general population are insufficient to allow any conclusion about variant significance. To our knowledge, no occurrence of c.3893G>A in individuals affected with Myopia 27 and no experimental evidence demonstrating its impact on protein function have been reported. No submitters have cited clinical-significance assessments for this variant to ClinVar. Based on the evidence outlined above, the variant was classified as uncertain significance.

NM_013291.3(CPSF1):c.3893G>A (p.Arg1298His)

Gene: CPSF1 (cleavage and polyadenylation specific factor 1; minus strand). Cytogenetic location: 8q24.3.
Variant type: single nucleotide variant.
Coding change: c.3893G>A on transcript NM_013291.3 (MANE Select); coding-DNA position 3893, G replaced by A.
Protein change: p.Arg1298His; replaces arginine 1298 with histidine.
Molecular consequence: missense variant.
Genome position (GRCh38, 1-based): chr8:144,394,005, C>T on the plus strand (G>A on the coding strand, the complement: CPSF1 is on the minus strand). VCF-style: chr8-144394005-C-T. GRCh37 (hg19) VCF-style: chr8-145619220-C-T.
Other names: short protein forms R1298H.
Identifiers: ClinVar variation 3063627 (VCV003063627.1), dbSNP rs782315301, ClinGen allele CA4939353.